The following is an entry in ClinVar:

NM_173598.6(KSR2):c.1926C>A (p.Ala642=)

Gene: KSR2 (kinase suppressor of ras 2; minus strand). Cytogenetic location: 12q24.22.
Variant type: single nucleotide variant.
Coding change: c.1926C>A on transcript NM_173598.6 (MANE Select); coding-DNA position 1926, C replaced by A.
Protein change: p.Ala642=; no amino-acid change (alanine 642 retained).
Molecular consequence: synonymous variant.
Genome position (GRCh38, 1-based): chr12:117,525,145, G>T on the plus strand (C>A on the coding strand, the complement: KSR2 is on the minus strand). VCF-style: chr12-117525145-G-T. GRCh37 (hg19) VCF-style: chr12-117962950-G-T.
Identifiers: ClinVar variation 4985250 (VCV004985250.1).
Genomic context (GRCh38, chr12:117,525,145, plus strand): 5'-GGGGATGTCCCACTCCTGAAGGAAGATGCTGGTCTGGCTGGCCTTGCGTGGGAAGCTCCG[G>T]GCCGAGAGGAGGGACAGGTTCATCTCCTCGAAGTCATCCTCTGACTCTTCGGCCTCATCA-3'
Protein context (NP_775869.4, residues 632-652): FEEMNLSLLS[Ala642=]RSFPRKASQT

ClinVar aggregate classification (germline): Likely benign (1 of 4 stars; one submission).

Conditions:
KSR2-related disorder. Also called: KSR2-related condition.

gnomAD v4.1: 5 of 1,613,964 alleles (0.00031%); highest among the groups gnomAD compares: Admixed American, 0.0083%; no homozygotes.

Submission:

PreventionGenetics, part of Exact Sciences
Classification: Likely benign for KSR2-related condition. Last evaluated: 2025-08-19. Review status: criteria provided, single submitter. Criteria: ACMG Guidelines, 2015. Collection method: clinical testing. Allele origin: germline.
Comment: This variant is classified as likely benign based on ACMG/AMP sequence variant interpretation guidelines (Richards et al. 2015 PMID: 25741868, with internal and published modifications).